The following is an entry in ClinVar:

NM_000038.6(APC):c.2004del (p.His668_Leu669insTer)

Gene: APC (APC regulator of Wnt signaling pathway; plus strand). Cytogenetic location: 5q22.2.
Variant type: Deletion.
Coding change: c.2004del on transcript NM_000038.6 (MANE Select); coding-DNA position 2004, one base deleted (C; older notation c.2004delC).
Protein change: p.His668_Leu669insTer.
Molecular consequence: frameshift variant.
Genome position (GRCh38, 1-based): chr5:112,837,598, C deleted. VCF-style (leftmost placement, unchanged base first): chr5-112837597-AC-A. GRCh37 (hg19) VCF-style: chr5-112173294-AC-A.
Other names: c.2004del, p.His668_Leu669insTer (NM_001127510.3, NM_001354895.2); c.1950del, p.His650_Leu651insTer (NM_001127511.3); c.2058del, p.His686_Leu687insTer (NM_001354896.2); c.2034del, p.His678_Leu679insTer (NM_001354897.2); c.1929del, p.His643_Leu644insTer (NM_001354898.2); c.1920del, p.His640_Leu641insTer (NM_001354899.2); c.1881del, p.His627_Leu628insTer (NM_001354900.2); c.1827del, p.His609_Leu610insTer (NM_001354901.2); and 6 more.
Identifiers: ClinVar variation 142199 (VCV000142199.16), dbSNP rs587782303, ClinGen allele CA007161.

ClinVar aggregate classification (germline): Pathogenic. Review status: criteria provided, multiple submitters, no conflicts (2 of 4 stars). 6 submissions from 6 submitters: Pathogenic (6). Last evaluated 2026-01-05.

Conditions:
APC-related disorder. Also called: APC-related condition.
Hereditary cancer-predisposing syndrome. Also called: Tumor predisposition; Neoplastic Syndromes, Hereditary; Hereditary neoplastic syndrome; Hereditary Cancer Syndrome. Identifiers: Orphanet 140162, MedGen C0027672, MeSH D009386, MONDO:0015356.
Familial multiple polyposis syndrome (FAP). Also called: Familial intestinal polyposis; Familial adenomatous polyposis; Familial polyposis; Classic familial adenomatous polyposis; Familial Adenomatous Polyposis (FAP). Identifiers: Orphanet 733, MedGen C0032580, MONDO:0021055. Disease mechanism: loss of function.
Familial adenomatous polyposis 1 (FAP1). Also called: FAMILIAL ADENOMATOUS POLYPOSIS 1, ATTENUATED; POLYPOSIS, ADENOMATOUS INTESTINAL. Identifiers: MedGen C2713442, MONDO:0021056, OMIM 175100. Disease mechanism: loss of function.

Allele frequency attached by ClinVar (database versions not stated): gnomAD exomes below 0.00001.

Submissions (6):

Women's Health and Genetics/Laboratory Corporation of America, LabCorp
Classification: Pathogenic for Familial multiple polyposis syndrome. Last evaluated: 2026-01-05. Review status: criteria provided, single submitter. Criteria: LabCorp Variant Classification Summary - May 2015. Collection method: clinical testing. Allele origin: germline.
Comment: Variant summary: APC c.2004delC (p.Leu669X) results in a premature termination codon, predicted to cause a truncation of the encoded protein or absence of the protein, which are commonly known mechanisms for disease. Variant(s) downstream of this position have been determined to be pathogenic internally (example:p.Gln2628Ter). The variant was absent in 250562 control chromosomes. c.2004delC has been observed in individual(s) affected with Familial Adenomatous Polyposis (examples: Castellsague_2010,Susswein_2016). These data indicate that the variant may be associated with disease. To our knowledge, no experimental evidence demonstrating an impact on protein function has been reported. The following publications have been ascertained in the context of this evaluation (PMID: 20434453, 26681312). ClinVar contains an entry for this variant (Variation ID: 142199). Based on the evidence outlined above, the variant was classified as pathogenic.

PreventionGenetics, part of Exact Sciences
Classification: Pathogenic for APC-related condition. Last evaluated: 2025-08-05. Review status: criteria provided, single submitter. Criteria: ACMG Guidelines, 2015. Collection method: clinical testing. Allele origin: germline.
Comment: The APC c.2004delC variant is predicted to result in premature protein termination (p.Leu669*). This variant has been reported in individuals with attenuated familial adenomatous polyposis (AFAP), polyposis, and colorectal cancer (Castellsagué et al. 2010. PubMed ID: 20434453; Table S1, Susswein et al. 2015. PubMed ID: 26681312; Cragun et al. 2014. PubMed ID: 24506336). This variant has not been reported in a large population database (gnomAD), indicating this variant is rare. This variant is interpreted as pathogenic in ClinVar by multiple laboratories (Variation ID: 142199). This variant is interpreted as pathogenic.

Labcorp Genetics (formerly Invitae), Labcorp
Classification: Pathogenic for Familial adenomatous polyposis 1. Last evaluated: 2024-05-21. Review status: criteria provided, single submitter. Criteria: Invitae Variant Classification Sherloc (09022015). Collection method: clinical testing. Allele origin: germline.
Comment: This sequence change creates a premature translational stop signal (p.Leu669*) in the APC gene. While this is not anticipated to result in nonsense mediated decay, it is expected to disrupt the last 2175 amino acid(s) of the APC protein. This variant is not present in population databases (gnomAD no frequency). This premature translational stop signal has been observed in individual(s) with colorectal cancer and polyps and/or familial adenomatous polyposis (PMID: 1316610, 8162022, 15771908, 24506336, 26681312). ClinVar contains an entry for this variant (Variation ID: 142199). This variant disrupts a region of the APC protein in which other variant(s) (p.Gln1062*) have been determined to be pathogenic (PMID: 1316610, 8162022, 15771908). This suggests that this is a clinically significant region of the protein, and that variants that disrupt it are likely to be disease-causing. For these reasons, this variant has been classified as Pathogenic.

Myriad Genetics, Inc.
Classification: Pathogenic for Familial adenomatous polyposis 1. Last evaluated: 2023-05-03. Review status: criteria provided, single submitter. Criteria: Myriad Autosomal Dominant, Autosomal Recessive and X-Linked Classification Criteria (2023). Collection method: clinical testing. Allele origin: unknown.
Comment: This variant is considered pathogenic. This variant creates a termination codon and is predicted to result in premature protein truncation.

GeneDx
Classification: Pathogenic. Last evaluated: 2015-03-10. Review status: criteria provided, single submitter. Criteria: GeneDx Variant Classification (06012015). Collection method: clinical testing. Allele origin: germline. Affected: yes.
Comment: This deletion of one nucleotide is denoted c.2004delC at the cDNA level and p.Leu669Ter (L669X) at the protein level. The normal sequence, with the base that is deleted in brackets, is AACA[C]TTAA. The deletion creates a nonsense variant, changing a Leucine to a premature stop codon. This variant is predicted to cause loss of normal protein function through protein truncation. APC Leu669Ter, has been observed in two families reported to have a phenotype consistent with attenuated FAP (Cragun 2014, Castellsagne 2010).

Ambry Genetics
Classification: Pathogenic for Hereditary cancer-predisposing syndrome. Last evaluated: 2013-02-28. Review status: criteria provided, single submitter. Criteria: Ambry Autosomal Dominant and X-Linked criteria (10/2015). Collection method: clinical testing. Allele origin: germline. Observed: 1 variant allele.
Comment: This alteration occurs at the 3' terminus of theâ€¯APC gene and is not expected to trigger nonsense-mediated mRNA decay. However, premature stop codons are typically deleterious in nature, the impacted region is critical for protein function, and a significant portion of the protein is affected (Ambry internal data). Based on the supporting evidence, this alteration is interpreted as a disease-causing mutation.

Literature cited by the submitters: PubMed 26681312 (cited by Women's Health and Genetics/Laboratory Corporation of America, LabCorp and Labcorp Genetics (formerly Invitae), Labcorp); PubMed 20434453 (cited by Women's Health and Genetics/Laboratory Corporation of America, LabCorp); PubMed 1316610 (cited by Labcorp Genetics (formerly Invitae), Labcorp); PubMed 8162022 (cited by Labcorp Genetics (formerly Invitae), Labcorp); PubMed 15771908 (cited by Labcorp Genetics (formerly Invitae), Labcorp); PubMed 24506336 (cited by Labcorp Genetics (formerly Invitae), Labcorp).